The following is an entry in ClinVar:

ClinVar aggregate classification (germline): Benign. Review status: criteria provided, multiple submitters, no conflicts (2 of 4 stars). 2 submissions from 2 submitters: Benign (2). Last evaluated 2016-03-28.

Allele frequency attached by ClinVar (database versions not stated): gnomAD exomes 0.45975; gnomAD 0.48276 and 0.48295; ESP Exome Variant Server 0.49233; TOPMed 0.49798; ExAC 0.50697; 1000 Genomes Project 0.52895; 1000 Genomes Project 30x 0.53420.
gnomAD v4.1: 689,025 of 1,548,984 alleles (44%); highest among the groups gnomAD compares: African/African-American, 62%; 155,635 homozygotes.

Submissions (2):

Laboratory for Molecular Medicine, Mass General Brigham Personalized Medicine
Classification: Benign. Last evaluated: 2016-03-28. Review status: criteria provided, single submitter. Criteria: LMM Criteria. Collection method: clinical testing. Allele origin: germline.
Comment: Variant identified in a genome or exome case(s) and assessed due to predicted null impact of the variant or pathogenic assertions in the literature or databases. Disclaimer: This variant has not undergone full assessment. The following are preliminary notes: Frequency

Breakthrough Genomics
Classification: Benign. Review status: criteria provided, single submitter. Criteria: ACMG Guidelines, 2015. Collection method: not provided. Allele origin: germline. Inheritance: Unknown mechanism. Affected: yes.

NM_001367479.1(DNAH14):c.10699A>G (p.Lys3567Glu)

Gene: DNAH14 (dynein axonemal heavy chain 14; plus strand). Cytogenetic location: 1q42.12.
Variant type: single nucleotide variant.
Coding change: c.10699A>G on transcript NM_001367479.1 (MANE Select); coding-DNA position 10699, A replaced by G.
Protein change: p.Lys3567Glu; replaces lysine 3567 with glutamic acid.
Molecular consequence: missense variant.
Genome position (GRCh38, 1-based): chr1:225,345,982, A>G. VCF-style: chr1-225345982-A-G. GRCh37 (hg19) VCF-style: chr1-225533684-A-G.
Other names: short protein forms K3567E.
Identifiers: ClinVar variation 402657 (VCV000402657.5), dbSNP rs6667999, ClinGen allele CA1416664.
Genomic context (GRCh38, chr1:225,345,982, plus strand): 5'-CAATAGTCTTTATTTAACTTCACTTTTTGTTTGTCTTTAGGATCCATATTAGATGATGAC[A>G]AAATTGTAGATACCTTAAGAAAATCCAAAATGACATCAAACGAAATTTCAAAGCGCATCG-3'
Protein context (NP_001354408.1, residues 3557-3577): KALGSILDDD[Lys3567Glu]IVDTLRKSKM